The following is an entry in ClinVar:

NM_004655.4(AXIN2):c.16T>C (p.Leu6=)

Gene: AXIN2 (axin 2; minus strand). Cytogenetic location: 17q24.1.
Variant type: single nucleotide variant.
Coding change: c.16T>C on transcript NM_004655.4 (MANE Select); coding-DNA position 16, T replaced by C.
Protein change: p.Leu6=; no amino-acid change (leucine 6 retained).
Molecular consequence: synonymous variant.
Genome position (GRCh38, 1-based): chr17:65,558,605, A>G on the plus strand (T>C on the coding strand, the complement: AXIN2 is on the minus strand). VCF-style: chr17-65558605-A-G. GRCh37 (hg19) VCF-style: chr17-63554723-A-G.
Other names: c.16T>C, p.Leu6= (NM_001363813.1).
Identifiers: ClinVar variation 3014267 (VCV003014267.4), dbSNP rs2144592326, ClinGen allele CA501691759.

ClinVar aggregate classification (germline): Benign/Likely benign. Review status: criteria provided, multiple submitters, no conflicts (2 of 4 stars). 2 submissions from 2 submitters: Benign (1); Likely benign (1). Last evaluated 2025-02-19.

Conditions:
Oligodontia-cancer predisposition syndrome. Also called: TOOTH AGENESIS-COLORECTAL CANCER SYNDROME. Identifiers: Orphanet 300576, MedGen C1837750, MONDO:0012075, OMIM 608615. Disease mechanism: loss of function.

Submissions (2):

Labcorp Genetics (formerly Invitae), Labcorp
Classification: Likely benign for Oligodontia-cancer predisposition syndrome. Last evaluated: 2025-02-19. Review status: criteria provided, single submitter. Criteria: Invitae Variant Classification Sherloc (09022015). Collection method: clinical testing. Allele origin: germline.

Myriad Genetics, Inc.
Classification: Benign for Oligodontia-cancer predisposition syndrome. Last evaluated: 2024-06-25. Review status: criteria provided, single submitter. Criteria: Myriad Autosomal Dominant, Autosomal Recessive and X-Linked Classification Criteria (2023). Collection method: clinical testing. Allele origin: unknown.
Comment: This variant is considered benign. This variant is a silent/synonymous amino acid change and it is not expected to impact splicing.